The following is an entry in ClinVar:

ClinVar aggregate classification (germline): Uncertain significance. Review status: criteria provided, multiple submitters, no conflicts (2 of 4 stars). 4 submissions from 4 submitters: Uncertain significance (4). Last evaluated 2024-12-15.

Conditions:
Myofibrillar myopathy 5. Also called: FILAMINOPATHY, AUTOSOMAL DOMINANT; Filaminopathy (type). Identifiers: Orphanet 171445, MedGen C1836050, MONDO:0012289, OMIM 609524.
Hypertrophic cardiomyopathy 26. Also called: Cardiomyopathy, familial hypertrophic, 26. Identifiers: Orphanet 75249, MedGen C4310749, MONDO:0014883, OMIM 617047.
Dilated Cardiomyopathy, Dominant.
Distal myopathy with posterior leg and anterior hand involvement. Also called: WILLIAMS DISTAL MYOPATHY. Identifiers: Orphanet 63273, MedGen C3279722, MONDO:0013550, OMIM 614065.
Cardiovascular phenotype. Identifiers: MedGen CN230736.

Allele frequency attached by ClinVar (database versions not stated): gnomAD exomes below 0.00001 and 0.00001; ExAC 0.00001; gnomAD 0.00001; TOPMed 0.00001.
gnomAD v4.1: 21 of 1,614,034 alleles (0.0013%); highest among the groups gnomAD compares: Non-Finnish European, 0.0017%; no homozygotes.

Submissions (4):

Labcorp Genetics (formerly Invitae), Labcorp
Classification: Uncertain significance for Distal myopathy with posterior leg and anterior hand involvement; Myofibrillar myopathy 5; Hypertrophic cardiomyopathy 26. Last evaluated: 2024-12-15. Review status: criteria provided, single submitter. Criteria: Invitae Variant Classification Sherloc (09022015). Collection method: clinical testing. Allele origin: germline.
Comment: This sequence change replaces isoleucine, which is neutral and non-polar, with threonine, which is neutral and polar, at codon 2527 of the FLNC protein (p.Ile2527Thr). This variant is present in population databases (rs749891076, gnomAD 0.002%). This variant has not been reported in the literature in individuals affected with FLNC-related conditions. ClinVar contains an entry for this variant (Variation ID: 572951). Invitae Evidence Modeling of protein sequence and biophysical properties (such as structural, functional, and spatial information, amino acid conservation, physicochemical variation, residue mobility, and thermodynamic stability) indicates that this missense variant is not expected to disrupt FLNC protein function with a negative predictive value of 95%. In summary, the available evidence is currently insufficient to determine the role of this variant in disease. Therefore, it has been classified as a Variant of Uncertain Significance.

Ambry Genetics
Classification: Uncertain significance for Cardiovascular phenotype. Last evaluated: 2024-01-03. Review status: criteria provided, single submitter. Criteria: Ambry Variant Classification Scheme 2023. Collection method: clinical testing. Allele origin: germline.
Comment: The p.I2527T variant (also known as c.7580T>C), located in coding exon 46 of the FLNC gene, results from a T to C substitution at nucleotide position 7580. The isoleucine at codon 2527 is replaced by threonine, an amino acid with similar properties. This amino acid position is conserved. In addition, this alteration is predicted to be tolerated by in silico analysis. Since supporting evidence is limited at this time, the clinical significance of this alteration remains unclear.

GeneDx
Classification: Uncertain significance. Last evaluated: 2019-08-09. Review status: criteria provided, single submitter. Criteria: GeneDx Variant Classification Process June 2021. Collection method: clinical testing. Allele origin: germline. Affected: yes.
Comment: Has not been previously published as pathogenic or benign to our knowledge; Reported in ClinVar as a variant of uncertain significance but additional evidence is not available (ClinVar Variant ID# 572951; Landrum et al., 2016); Not observed at a significant frequency in large population cohorts (Lek et al., 2016); In silico analysis, which includes protein predictors and evolutionary conservation, supports a deleterious effect

Revvity Omics, Revvity
Classification: Uncertain significance. Last evaluated: 2019-05-08. Review status: criteria provided, single submitter. Criteria: ACMG Guidelines, 2015. Collection method: clinical testing. Allele origin: germline.

NM_001458.5(FLNC):c.7580T>C (p.Ile2527Thr)

Genes: FLNC-AS1 (FLNC antisense RNA 1; minus strand), FLNC (filamin C; plus strand). Cytogenetic location: 7q32.1.
Variant type: single nucleotide variant.
Coding change: c.7580T>C on transcript NM_001458.5 (MANE Select); coding-DNA position 7580, T replaced by C.
Protein change: p.Ile2527Thr; replaces isoleucine 2527 with threonine.
Molecular consequence: missense variant.
Genome position (GRCh38, 1-based): chr7:128,857,136, T>C. VCF-style: chr7-128857136-T-C. GRCh37 (hg19) VCF-style: chr7-128497190-T-C.
Other names: c.7481T>C, p.Ile2494Thr (NM_001127487.2); short protein forms I2527T, I2494T.
Identifiers: ClinVar variation 572951 (VCV000572951.11), dbSNP rs749891076, ClinGen allele CA4476316.